The following is an entry in ClinVar:

NM_000169.3(GLA):c.1031dup (p.Ser345fs)

Genes: GLA (galactosidase alpha; minus strand), RPL36A-HNRNPH2 (RPL36A-HNRNPH2 readthrough; plus strand). Cytogenetic location: Xq22.1.
Variant type: Duplication.
Coding change: c.1031dup on transcript NM_000169.3 (MANE Select); coding-DNA position 1031, one base duplicated (T; older notation c.1031dupT).
Protein change: p.Ser345fs; shifts the reading frame from serine 345.
Molecular consequence: frameshift variant. On other transcripts: non-coding transcript variant (3), intron variant (2).
Genome position (GRCh38, 1-based): chrX:101,398,068, A duplicated on the plus strand (T on the coding strand, the reverse complement: GLA is on the minus strand). VCF-style (leftmost placement, unchanged base first): chrX-101398067-G-GA. GRCh37 (hg19) VCF-style: chrX-100653055-G-GA.
Other names: c.1154dup, p.Ser386fs (NM_001406747.1); c.300+2611dup (NM_001199973.2); c.177+6246dup (NM_001199974.2); short protein forms S345fs, S386fs.
Identifiers: ClinVar variation 4087042 (VCV004087042.2).
Genomic context (GRCh38, chrX:101,398,067, plus strand): 5'-AGAGCGAGGTCCACCAATCTCCTGCCGGTTTATCATAGCTACAGCCCAGGCTAAGCCTGA[G>GA]AGAGGTCGTTCCCACACTTCAAAGTTGTCTCCCTGAAAAACCAAGAAAGTGTGGTTGCTT-3'

ClinVar aggregate classification (germline): Pathogenic (1 of 4 stars; one submission).

Conditions:
Fabry disease. Also called: ALPHA-GALACTOSIDASE A DEFICIENCY; ANDERSON-FABRY DISEASE; CERAMIDE TRIHEXOSIDASE DEFICIENCY; GLA DEFICIENCY; HEREDITARY DYSTOPIC LIPIDOSIS; Angiokeratoma corporis diffusum. Identifiers: Orphanet 324, MedGen C0002986, MONDO:0010526, OMIM 301500, HP:0001071. Disease mechanism: Fabry disease is due to inactivating mutations in the X-linked GLA gene resulting in deficiency of the enzyme Alpha Galactosidase-A., loss of function.

Submission:

Genomenon, Inc
Classification: Pathogenic for Fabry disease. Last evaluated: 2026-09-08. Review status: criteria provided, single submitter. Criteria: Genomenon Sequence Variant Interpretation Standards - Updated. Collection method: curation. Allele origin: germline. Affected: yes.
Comment: GLA p.Ser345LeufsTer30 (c.1031dup) is a frameshift variant that is predicted to introduce a premature termination codon and result in a truncated or absent protein product. This variant has been observed in at least one proband with clinical features consistent with Fabry disease (PMID:22260214). The variant was found to segregate with disease in at least one affected family (PMID:22260214). Functional or patient cell studies have been reported (PMID:22260214). It is absent or not present at a significant frequency in gnomAD. In conclusion, we classify GLA p.Ser345LeufsTer30 (c.1031dup) as a pathogenic variant.

Literature cited by the submitters: PubMed 22260214.